The following is an entry in ClinVar:

ClinVar aggregate classification (germline): Benign (1 of 4 stars; one submission).

Allele frequency attached by ClinVar (database versions not stated): TOPMed 0.67158; gnomAD 0.70001; gnomAD exomes 0.79323; 1000 Genomes Project 30x 0.64054; 1000 Genomes Project 0.64437.
gnomAD v4.1: 505,012 of 655,292 alleles (77%); highest among the groups gnomAD compares: Non-Finnish European, 83%; 200,314 homozygotes.

Submission:

Unidad de Genómica Garrahan, Hospital de Pediatría Garrahan
Classification: Benign. Last evaluated: 2024-01-24. Review status: criteria provided, single submitter. Criteria: ACMG Guidelines, 2015. Collection method: clinical testing. Allele origin: germline. Affected: no. Observed: 28 variant alleles.
Comment: This variant is classified as Benign based on local population frequency. This variant was detected in 29% of patients studied by a panel of primary immunodeficiencies. Number of patients: 28. Only high quality variants are reported.

NM_001253697.2(ERBIN):c.597+119A>T

Gene: ERBIN (erbb2 interacting protein; plus strand). Cytogenetic location: 5q12.3.
Variant type: single nucleotide variant.
Coding change: c.597+119A>T on transcript NM_001253697.2 (MANE Select); 119 bases into the intron after coding-DNA position 597, A replaced by T.
Molecular consequence: intron variant.
Genome position (GRCh38, 1-based): chr5:66,021,504, A>T. VCF-style: chr5-66021504-A-T. GRCh37 (hg19) VCF-style: chr5-65317332-A-T.
Other names: c.597+119A>T (NM_001253699.2, NM_018695.4, NM_001253698.2 and 2 more transcripts).
Identifiers: ClinVar variation 2688258 (VCV002688258.2), dbSNP rs784276, ClinGen allele CA15367455.